The following is an entry in ClinVar:

ClinVar aggregate classification (germline): Uncertain significance (1 of 4 stars; one submission).

Allele frequency attached by ClinVar (database versions not stated): TOPMed below 0.00001; gnomAD 0.00001; gnomAD exomes 0.00003 and 0.00005.
gnomAD v4.1: 16 of 1,614,040 alleles (0.00099%); highest among the groups gnomAD compares: Admixed American, 0.027%; no homozygotes.

Submission:

Labcorp Genetics (formerly Invitae), Labcorp
Classification: Uncertain significance. Last evaluated: 2025-01-06. Review status: criteria provided, single submitter. Criteria: Invitae Variant Classification Sherloc (09022015). Collection method: clinical testing. Allele origin: germline.
Comment: This sequence change replaces valine, which is neutral and non-polar, with leucine, which is neutral and non-polar, at codon 654 of the NDUFS1 protein (p.Val654Leu). This variant is present in population databases (no rsID available, gnomAD 0.04%). This variant has not been reported in the literature in individuals affected with NDUFS1-related conditions. ClinVar contains an entry for this variant (Variation ID: 1415362). Invitae Evidence Modeling of protein sequence and biophysical properties (such as structural, functional, and spatial information, amino acid conservation, physicochemical variation, residue mobility, and thermodynamic stability) indicates that this missense variant is not expected to disrupt NDUFS1 protein function with a negative predictive value of 95%. In summary, the available evidence is currently insufficient to determine the role of this variant in disease. Therefore, it has been classified as a Variant of Uncertain Significance.

NM_005006.7(NDUFS1):c.1960G>C (p.Val654Leu)

Gene: NDUFS1 (NADH:ubiquinone oxidoreductase core subunit S1; minus strand). Cytogenetic location: 2q33.3.
Variant type: single nucleotide variant.
Coding change: c.1960G>C on transcript NM_005006.7 (MANE Select); coding-DNA position 1960, G replaced by C.
Protein change: p.Val654Leu; replaces valine 654 with leucine.
Molecular consequence: missense variant.
Genome position (GRCh38, 1-based): chr2:206,126,769, C>G on the plus strand (G>C on the coding strand, the complement: NDUFS1 is on the minus strand). VCF-style: chr2-206126769-C-G. GRCh37 (hg19) VCF-style: chr2-206991493-C-G.
Other names: c.1852G>C, p.Val618Leu (NM_001199981.2); c.1627G>C, p.Val543Leu (NM_001199982.2); c.1789G>C, p.Val597Leu (NM_001199983.2); c.2002G>C, p.Val668Leu (NM_001199984.2); short protein forms V597L, V654L, V668L, V543L, V618L.
Identifiers: ClinVar variation 1415362 (VCV001415362.5), dbSNP rs1456097616, ClinGen allele CA350041972.